The following is an entry in ClinVar:

NM_014332.3(SMPX):c.64A>G (p.Met22Val)

Gene: SMPX (small muscle protein X-linked; minus strand). Cytogenetic location: Xp22.12.
Variant type: single nucleotide variant.
Coding change: c.64A>G on transcript NM_014332.3 (MANE Select); coding-DNA position 64, A replaced by G.
Protein change: p.Met22Val; replaces methionine 22 with valine.
Molecular consequence: missense variant. On other transcripts: non-coding transcript variant (1).
Genome position (GRCh38, 1-based): chrX:21,743,818, T>C on the plus strand (A>G on the coding strand, the complement: SMPX is on the minus strand). VCF-style: chrX-21743818-T-C. GRCh37 (hg19) VCF-style: chrX-21761936-T-C.
Other names: c.64A>G (NM_014332.1); short protein forms M22V.
Identifiers: ClinVar variation 1923993 (VCV001923993.6), dbSNP rs2092818730, ClinGen allele CA412562829.

ClinVar aggregate classification (germline): Uncertain significance. Review status: criteria provided, multiple submitters, no conflicts (2 of 4 stars). 2 submissions from 2 submitters: Uncertain significance (2). Last evaluated 2026-03-23.

Conditions:
Inborn genetic diseases. Identifiers: MedGen C0950123, MeSH D030342.

Submissions (2):

Ambry Genetics
Classification: Uncertain significance for Inborn genetic diseases. Last evaluated: 2026-03-23. Review status: criteria provided, single submitter. Criteria: Ambry Variant Classification Scheme 2023. Collection method: clinical testing. Allele origin: germline.

Labcorp Genetics (formerly Invitae), Labcorp
Classification: Uncertain significance. Last evaluated: 2024-05-29. Review status: criteria provided, single submitter. Criteria: Invitae Variant Classification Sherloc (09022015). Collection method: clinical testing. Allele origin: germline.
Comment: This sequence change replaces methionine, which is neutral and non-polar, with valine, which is neutral and non-polar, at codon 22 of the SMPX protein (p.Met22Val). This variant is not present in population databases (gnomAD no frequency). This variant has not been reported in the literature in individuals affected with SMPX-related conditions. ClinVar contains an entry for this variant (Variation ID: 1923993). An algorithm developed to predict the effect of missense changes on protein structure and function (PolyPhen-2) suggests that this variant is likely to be disruptive. In summary, the available evidence is currently insufficient to determine the role of this variant in disease. Therefore, it has been classified as a Variant of Uncertain Significance.